The following is an entry in ClinVar:

ClinVar aggregate classification (germline): Uncertain significance. Review status: criteria provided, multiple submitters, no conflicts (2 of 4 stars). 4 submissions from 4 submitters: Uncertain significance (3). 1 of the submissions does not count toward it. Last evaluated 2025-11-24.

Conditions:
Hereditary cancer-predisposing syndrome. Also called: Hereditary Cancer Syndrome; Hereditary neoplastic syndrome; Neoplastic Syndromes, Hereditary; Tumor predisposition. Identifiers: Orphanet 140162, MedGen C0027672, MeSH D009386, MONDO:0015356.
Bloom syndrome (BLM). Also called: Bloom-Torre-Machacek syndrome. Identifiers: Orphanet 125, MedGen C0005859, MONDO:0008876, OMIM 210900.

Allele frequency attached by ClinVar (database versions not stated): gnomAD exomes below 0.00001 and 0.00001; ExAC 0.00001; ESP Exome Variant Server 0.00008.
gnomAD v4.1: 3 of 1,611,238 alleles (0.00019%); highest among the groups gnomAD compares: Non-Finnish European, 0.00025%; no homozygotes.

Submissions (4):

Labcorp Genetics (formerly Invitae), Labcorp
Classification: Uncertain significance for Bloom syndrome. Last evaluated: 2025-11-24. Review status: criteria provided, single submitter. Criteria: Invitae Variant Classification Sherloc (09022015). Collection method: clinical testing. Allele origin: germline.
Comment: This sequence change replaces serine, which is neutral and polar, with glycine, which is neutral and non-polar, at codon 269 of the BLM protein (p.Ser269Gly). This variant is present in population databases (rs141411463, gnomAD 0.007%). This variant has not been reported in the literature in individuals affected with BLM-related conditions. ClinVar contains an entry for this variant (Variation ID: 405275). An algorithm developed to predict the effect of missense changes on protein structure and function outputs the following: PolyPhen-2: "Benign". The glycine amino acid residue is found in multiple mammalian species, which suggests that this missense change does not adversely affect protein function. In summary, the available evidence is currently insufficient to determine the role of this variant in disease. Therefore, it has been classified as a Variant of Uncertain Significance.

Ambry Genetics
Classification: Uncertain significance for Hereditary cancer-predisposing syndrome. Last evaluated: 2024-06-22. Review status: criteria provided, single submitter. Criteria: Ambry Variant Classification Scheme 2023. Collection method: clinical testing. Allele origin: germline.

Quest Diagnostics Nichols Institute San Juan Capistrano
Classification: Uncertain significance. Last evaluated: 2024-01-31. Review status: criteria provided, single submitter. Criteria: Quest Diagnostics criteria. Collection method: clinical testing. Allele origin: unknown.
Comment: The BLM c.805A>G (p.Ser269Gly) variant has not been reported in individuals with BLM-related conditions in the published literature. The frequency of this variant in the general population, 0.000008 (2/251070 chromosomes (Genome Aggregation Database)), is uninformative in the assessment of its pathogenicity. Analysis of this variant using bioinformatics tools for the prediction of the effect of amino acid changes on protein structure and function yielded predictions that this variant is benign. Based on the available information, we are unable to determine the clinical significance of this variant.

Natera, Inc.
Classification: Uncertain significance for Bloom syndrome. Last evaluated: 2018-05-07. Review status: no assertion criteria provided. Collection method: clinical testing. Allele origin: germline. Not counted in ClinVar's aggregate classification.

NM_000057.4(BLM):c.805A>G (p.Ser269Gly)

Gene: BLM (BLM RecQ like helicase; plus strand). Cytogenetic location: 15q26.1.
Variant type: single nucleotide variant.
Coding change: c.805A>G on transcript NM_000057.4 (MANE Select); coding-DNA position 805, A replaced by G.
Protein change: p.Ser269Gly; replaces serine 269 with glycine.
Molecular consequence: missense variant. On other transcripts: 5 prime UTR variant (1).
Genome position (GRCh38, 1-based): chr15:90,751,792, A>G. VCF-style: chr15-90751792-A-G. GRCh37 (hg19) VCF-style: chr15-91295022-A-G.
Other names: c.805A>G, p.Ser269Gly (NM_001287246.2, NM_001287247.2); c.-487A>G (NM_001287248.2); short protein forms S269G.
Identifiers: ClinVar variation 405275 (VCV000405275.18), dbSNP rs141411463, ClinGen allele CA7738369.